The following is an entry in ClinVar:

NM_001077415.3(CRELD1):c.1011G>A (p.Lys337=)

Gene: CRELD1 (CRELD disulfide isomerase 1; plus strand). Cytogenetic location: 3p25.3.
Variant type: single nucleotide variant.
Coding change: c.1011G>A on transcript NM_001077415.3 (MANE Select); coding-DNA position 1011, G replaced by A.
Protein change: p.Lys337=; no amino-acid change (lysine 337 retained).
Molecular consequence: synonymous variant. On other transcripts: non-coding transcript variant (3).
Genome position (GRCh38, 1-based): chr3:9,943,478, G>A. VCF-style: chr3-9943478-G-A. GRCh37 (hg19) VCF-style: chr3-9985162-G-A.
Other names: c.1011G>A, p.Lys337= (NM_001031717.4, NM_001374316.1, NM_001374317.1 and 2 more transcripts); c.927G>A, p.Lys309= (NM_001374319.1, NM_001374320.1); c.1011G>A (NM_015513.4).
Identifiers: ClinVar variation 1570626 (VCV001570626.10), dbSNP rs201402996, ClinGen allele CA2247890.

ClinVar aggregate classification (germline): Likely benign. Review status: criteria provided, single submitter (1 of 4 stars). 2 submissions from 2 submitters: Likely benign (1). 1 of the submissions does not count toward it. Last evaluated 2022-05-26.

Conditions:
CRELD1-related disorder. Also called: CRELD1-related condition.
Atrioventricular septal defect, susceptibility to, 2. Identifiers: MedGen C1853508, MONDO:0011650, OMIM 606217.

Allele frequency attached by ClinVar (database versions not stated): ExAC 0.00006; gnomAD exomes 0.00009 and 0.00028; TOPMed 0.00012; gnomAD 0.00013 and 0.00014.
gnomAD v4.1: 424 of 1,614,000 alleles (0.026%); highest among the groups gnomAD compares: Non-Finnish European, 0.034%; no homozygotes.

Submissions (2):

Labcorp Genetics (formerly Invitae), Labcorp
Classification: Likely benign for Atrioventricular septal defect, susceptibility to, 2. Last evaluated: 2022-05-26. Review status: criteria provided, single submitter. Criteria: Invitae Variant Classification Sherloc (09022015). Collection method: clinical testing. Allele origin: germline.

PreventionGenetics, part of Exact Sciences
Classification: Likely benign for CRELD1-related condition. Last evaluated: 2021-04-12. Review status: no assertion criteria provided. Collection method: clinical testing. Allele origin: germline. Not counted in ClinVar's aggregate classification.
Comment: This variant is classified as likely benign based on ACMG/AMP sequence variant interpretation guidelines (Richards et al. 2015 PMID: 25741868, with internal and published modifications).